The following is an entry in ClinVar:

ClinVar aggregate classification (germline): Pathogenic. Review status: reviewed by expert panel (3 of 4 stars). 3 submissions from 3 submitters: Pathogenic (1). 2 of the submissions do not count toward it. Last evaluated 2016-09-08.

Conditions:
Hereditary cancer-predisposing syndrome. Also called: Tumor predisposition; Hereditary neoplastic syndrome; Hereditary Cancer Syndrome; Neoplastic Syndromes, Hereditary. Identifiers: Orphanet 140162, MedGen C0027672, MeSH D009386, MONDO:0015356.
Hereditary breast ovarian cancer syndrome. Also called: Hereditary breast and/or ovarian cancer syndrome; Breast and ovarian cancer; Hereditary breast and ovarian cancer syndrome; Hereditary breast and ovarian cancer; Hereditary breast and ovarian cancer syndrome (HBOC); BRCA1- and BRCA2-Associated Hereditary Breast and Ovarian Cancer. Identifiers: Orphanet 145, MedGen C0677776, MeSH D061325, MONDO:0003582. Disease mechanism: loss of function.
Breast-ovarian cancer, familial, susceptibility to, 1 (BROVCA1). Also called: BRCA1 Hereditary Breast and Ovarian Cancer; OVARIAN CANCER, SUSCEPTIBILITY TO. Identifiers: Orphanet 145, MedGen C2676676, MONDO:0011450, OMIM 604370. Disease mechanism: loss of function.

Submissions (3):

Evidence-based Network for the Interpretation of Germline Mutant Alleles (ENIGMA)
Classification: Pathogenic for Breast-ovarian cancer, familial, susceptibility to, 1. Last evaluated: 2016-09-08. Review status: reviewed by expert panel. Criteria: ENIGMA BRCA1/2 Classification Criteria (2015). Collection method: curation. Allele origin: germline.
Comment: Variant allele predicted to encode a truncated non-functional protein.

Labcorp Genetics (formerly Invitae), Labcorp
Classification: Pathogenic for Hereditary breast ovarian cancer syndrome. Last evaluated: 2021-08-16. Review status: criteria provided, single submitter. Criteria: Invitae Variant Classification Sherloc (09022015). Collection method: clinical testing. Allele origin: germline. Not counted in ClinVar's aggregate classification.
Comment: For these reasons, this variant has been classified as Pathogenic. Loss-of-function variants in BRCA1 are known to be pathogenic (PMID: 20104584). This variant has been reported in individuals in the Leiden Open-source Variation Database (PMID: 21520333). ClinVar contains an entry for this variant (Variation ID: 142334). This variant is not present in population databases (ExAC no frequency). This sequence change creates a premature translational stop signal (p.Leu1600Phefs*22) in the BRCA1 gene. It is expected to result in an absent or disrupted protein product.

Ambry Genetics
Classification: Pathogenic for Hereditary cancer-predisposing syndrome. Last evaluated: 2013-08-20. Review status: criteria provided, single submitter. Criteria: Ambry Autosomal Dominant and X-Linked criteria (10/2015). Collection method: clinical testing. Allele origin: germline. Observed: 1 variant allele. Not counted in ClinVar's aggregate classification.
Comment: Ã¢â‚¬â€¹The c.4799dupT pathogenic mutation (also known as c.4799_4800insTand 4918insT), located in coding exon 14 of the BRCA1 gene, results from the insertion of 1 nucleotide causing a translational frameshift with a predicted alternate stop codon. Since frameshifts are typically deleterious in nature, this alteration is interpreted as a disease-causing mutation (ACMG Recommendations for Standards for Interpretation and Reporting of Sequence Variations. Revision 2007. Genet Med. 2008;10:294).

Literature cited by the submitters: PubMed 20104584 (cited by Labcorp Genetics (formerly Invitae), Labcorp); PubMed 21520333 (cited by Labcorp Genetics (formerly Invitae), Labcorp).

NM_007294.4(BRCA1):c.4799dup (p.Leu1600fs)

Gene: BRCA1 (BRCA1 DNA repair associated; minus strand). Cytogenetic location: 17q21.31.
Variant type: Duplication.
Coding change: c.4799dup on transcript NM_007294.4 (MANE Select); coding-DNA position 4799, one base duplicated (T; older notation c.4799dupT).
Protein change: p.Leu1600fs; shifts the reading frame from leucine 1600.
Molecular consequence: frameshift variant. On other transcripts: non-coding transcript variant (1).
Genome position (GRCh38, 1-based): chr17:43,071,115, A duplicated on the plus strand (T on the coding strand, the reverse complement: BRCA1 is on the minus strand); the first of 2 consecutive A bases (chr17:43,071,115-43,071,116); duplicating either gives the same sequence. VCF-style (leftmost placement, unchanged base first): chr17-43071114-C-CA. GRCh37 (hg19) VCF-style: chr17-41223131-C-CA.
Other names: c.4799dupT (NM_007294.3); c.4585dup, p.Leu1529Phefs (NM_001407571.1, NM_001407894.1, NM_001407895.1 and 12 more transcripts); c.4864dup, p.Leu1622Phefs (NM_001407581.1, NM_001407582.1); c.4861dup, p.Leu1621Phefs (NM_001407583.1, NM_001407585.1, NM_001407587.1); c.4858dup, p.Leu1620Phefs (NM_001407590.1, NM_001407591.1); c.4798dup, p.Leu1600Phefs (NM_001407593.1, NM_001407594.1, NM_001407596.1 and 8 more transcripts); c.4795dup, p.Leu1599Phefs (NM_001407610.1, NM_001407611.1, NM_001407612.1 and 17 more transcripts); c.4792dup, p.Leu1598Phefs (NM_001407627.1, NM_001407628.1, NM_001407629.1 and 14 more transcripts); and 74 more; short protein forms L496fs, L1600fs, L1553fs, L1621fs.
Identifiers: ClinVar variation 142334 (VCV000142334.15), dbSNP rs587782392, ClinGen allele CA003027.
Genomic context (GRCh38, chr17:43,071,114, plus strand): 5'-AGTAGTATGAGCAGCAGCTGGACTCTGGGCAGATTCTGCAACTTTCAATTGGGGAACTTT[C>CA]AATGCAGAGGTTGAAGATGGTATGTTGCCAACACGAGCTGACTCTGGGGCTCTGTCTTCA-3'